The following is an entry in ClinVar:

NM_000263.4(NAGLU):c.2055T>C (p.Ser685=)

Gene: NAGLU (N-acetyl-alpha-glucosaminidase; plus strand). Cytogenetic location: 17q21.2.
Variant type: single nucleotide variant.
Coding change: c.2055T>C on transcript NM_000263.4 (MANE Select); coding-DNA position 2055, T replaced by C.
Protein change: p.Ser685=; no amino-acid change (serine 685 retained).
Molecular consequence: synonymous variant.
Genome position (GRCh38, 1-based): chr17:42,544,061, T>C. VCF-style: chr17-42544061-T-C. GRCh37 (hg19) VCF-style: chr17-40696079-T-C.
Identifiers: ClinVar variation 1132609 (VCV001132609.32), dbSNP rs750078603, ClinGen allele CA8577134.
Genomic context (GRCh38, chr17:42,544,061, plus strand): 5'-GTTGGTGGCCAACTACTACACCCCTCGCTGGCGGCTTTTCCTGGAGGCGCTGGTTGACAG[T>C]GTGGCCCAGGGCATCCCTTTCCAACAGCACCAGTTTGACAAAAATGTCTTCCAACTGGAG-3'
Protein context (NP_000254.2, residues 675-695): WRLFLEALVD[Ser685=]VAQGIPFQQH

ClinVar aggregate classification (germline): Likely benign. Review status: criteria provided, multiple submitters, no conflicts (2 of 4 stars). 3 submissions from 3 submitters: Likely benign (3). Last evaluated 2025-12-14.

Conditions:
Mucopolysaccharidosis, MPS-III-B (MPS3B). Also called: MPS III B; Mucopolysaccharidosis type IIIB (Sanfilippo B); MPS IIIB (Sanfilippo Syndrome Type B); N-ACETYL-ALPHA-D-GLUCOSAMINIDASE DEFICIENCY; NAGLU DEFICIENCY; SANFILIPPO SYNDROME B. Identifiers: Orphanet 79270, MedGen C0086648, MONDO:0009656, OMIM 252920.
Charcot-Marie-Tooth disease axonal type 2V. Also called: CHARCOT-MARIE-TOOTH NEUROPATHY, TYPE 2V; CHARCOT-MARIE-TOOTH DISEASE, AXONAL, AUTOSOMAL DOMINANT, TYPE 2V. Identifiers: Orphanet 447964, MedGen C5569050, MONDO:0014665, OMIM 616491.

Allele frequency attached by ClinVar (database versions not stated): gnomAD exomes 0.00001 and 0.00002; TOPMed 0.00003; ExAC 0.00004.
gnomAD v4.1: 16 of 1,613,798 alleles (0.00099%); highest among the groups gnomAD compares: Non-Finnish European, 0.0014%; no homozygotes.

Submissions (3):

Labcorp Genetics (formerly Invitae), Labcorp
Classification: Likely benign for Charcot-Marie-Tooth disease axonal type 2V; Mucopolysaccharidosis, MPS-III-B. Last evaluated: 2025-12-14. Review status: criteria provided, single submitter. Criteria: Invitae Variant Classification Sherloc (09022015). Collection method: clinical testing. Allele origin: germline.

Blueprint Genetics
Classification: Likely benign. Last evaluated: 2024-05-29. Review status: criteria provided, single submitter. Criteria: ACMG Guidelines, 2015. Collection method: clinical testing. Allele origin: germline.

CeGaT Center for Human Genetics Tuebingen
Classification: Likely benign. Last evaluated: 2024-01-01. Review status: criteria provided, single submitter. Criteria: CeGaT Center For Human Genetics Tuebingen Variant Classification Criteria Version 2. Collection method: clinical testing. Allele origin: germline. Affected: yes. Observed: 1 variant allele.
Comment: NAGLU: BP4, BP7